The following is an entry in ClinVar:

NM_001042492.3(NF1):c.4401dup (p.Val1468fs)

Gene: NF1 (neurofibromin 1; plus strand). Cytogenetic location: 17q11.2.
Variant type: Duplication.
Coding change: c.4401dup on transcript NM_001042492.3 (MANE Select); coding-DNA position 4401, one base duplicated (T; older notation c.4401dupT).
Protein change: p.Val1468fs; shifts the reading frame from valine 1468.
Molecular consequence: frameshift variant.
Genome position (GRCh38, 1-based): chr17:31,259,100, T duplicated; the last of 4 consecutive T bases (chr17:31,259,097-31,259,100); duplicating any one gives the same sequence. VCF-style (leftmost placement, unchanged base first): chr17-31259096-A-AT. GRCh37 (hg19) VCF-style: chr17-29586114-A-AT.
Other names: c.4338dup, p.Val1447Cysfs (NM_000267.4); short protein forms V1447fs, V1468fs.
Identifiers: ClinVar variation 2095671 (VCV002095671.4), dbSNP rs2508414069, ClinGen allele CA2580093041.

ClinVar aggregate classification (germline): Pathogenic (1 of 4 stars; one submission).

Conditions:
Neurofibromatosis, type 1 (NF1). Also called: NEUROFIBROMATOSIS, TYPE I, SOMATIC; Neurofibromatosis, type I; Peripheral type neurofibromatosis; VON RECKLINGHAUSEN DISEASE. Identifiers: Orphanet 636, MedGen C0027831, MONDO:0018975, OMIM 162200. Disease mechanism: loss of function.

Submission:

Labcorp Genetics (formerly Invitae), Labcorp
Classification: Pathogenic for Neurofibromatosis, type 1. Last evaluated: 2022-02-09. Review status: criteria provided, single submitter. Criteria: Invitae Variant Classification Sherloc (09022015). Collection method: clinical testing. Allele origin: germline.
Comment: For these reasons, this variant has been classified as Pathogenic. This variant has not been reported in the literature in individuals affected with NF1-related conditions. This variant is not present in population databases (gnomAD no frequency). This sequence change creates a premature translational stop signal (p.Val1447Cysfs*6) in the NF1 gene. It is expected to result in an absent or disrupted protein product. Loss-of-function variants in NF1 are known to be pathogenic (PMID: 10712197, 23913538).

Literature cited by the submitters: PubMed 10712197; PubMed 23913538.